The following is an entry in ClinVar:

NM_006767.4(LZTR1):c.543G>A (p.Thr181=)

Gene: LZTR1 (leucine zipper like post translational regulator 1; plus strand). Cytogenetic location: 22q11.21.
Variant type: single nucleotide variant.
Coding change: c.543G>A on transcript NM_006767.4 (MANE Select); coding-DNA position 543, G replaced by A.
Protein change: p.Thr181=; no amino-acid change (threonine 181 retained).
Molecular consequence: synonymous variant.
Genome position (GRCh38, 1-based): chr22:20,988,822, G>A. VCF-style: chr22-20988822-G-A. GRCh37 (hg19) VCF-style: chr22-21343111-G-A.
Other names: p.Thr181=.
Identifiers: ClinVar variation 515168 (VCV000515168.52), dbSNP rs151294009, ClinGen allele CA10118486.

ClinVar aggregate classification (germline): Benign/Likely benign. Review status: criteria provided, multiple submitters, no conflicts (2 of 4 stars). 10 submissions from 10 submitters: Benign (2); Likely benign (5). 3 of the submissions do not count toward it. Last evaluated 2026-02-04.

Conditions:
Hereditary cancer-predisposing syndrome. Also called: Neoplastic Syndromes, Hereditary; Hereditary Cancer Syndrome; Tumor predisposition; Hereditary neoplastic syndrome. Identifiers: Orphanet 140162, MedGen C0027672, MeSH D009386, MONDO:0015356.
Cardiovascular phenotype. Identifiers: MedGen CN230736.
LZTR1-related disorder. Also called: LZTR1-related disorders; LZTR1-related condition.

Allele frequency attached by ClinVar (database versions not stated): gnomAD 0.00063 and 0.00061; ESP Exome Variant Server 0.00092; TOPMed 0.00055; gnomAD exomes 0.00056; ExAC 0.00059.
gnomAD v4.1: 1,414 of 1,614,008 alleles (0.088%); highest among the groups gnomAD compares: Non-Finnish European, 0.11%; 1 homozygote.

Submissions (10):

Labcorp Genetics (formerly Invitae), Labcorp
Classification: Benign. Last evaluated: 2026-02-04. Review status: criteria provided, single submitter. Criteria: Invitae Variant Classification Sherloc (09022015). Collection method: clinical testing. Allele origin: germline.

Mayo Clinic Laboratories, Mayo Clinic
Classification: Likely benign. Last evaluated: 2025-12-17. Review status: criteria provided, single submitter. Criteria: ACMG Guidelines, 2015. Collection method: clinical testing. Allele origin: germline. Observed: 5 variant alleles.
Comment: BS1, BP4, BP7

CeGaT Center for Human Genetics Tuebingen
Classification: Likely benign. Last evaluated: 2025-11-01. Review status: criteria provided, single submitter. Criteria: CeGaT Center For Human Genetics Tuebingen Variant Classification Criteria Version 2. Collection method: clinical testing. Allele origin: germline. Affected: yes. Observed: 8 variant alleles.
Comment: LZTR1: BP4, BP7

Blueprint Genetics
Classification: Likely benign. Last evaluated: 2024-10-03. Review status: criteria provided, single submitter. Criteria: ACMG Guidelines, 2015. Collection method: clinical testing. Allele origin: germline.

Ambry Genetics
Classification: Likely benign for Cardiovascular phenotype; Hereditary cancer-predisposing syndrome. Last evaluated: 2022-12-14. Review status: criteria provided, single submitter. Criteria: Ambry Variant Classification Scheme 2023. Collection method: clinical testing. Allele origin: germline.

GeneDx
Classification: Likely benign. Last evaluated: 2021-05-07. Review status: criteria provided, single submitter. Criteria: GeneDx Variant Classification Process June 2021. Collection method: clinical testing. Allele origin: germline. Affected: yes.

Women's Health and Genetics/Laboratory Corporation of America, LabCorp
Classification: Benign. Last evaluated: 2019-11-16. Review status: criteria provided, single submitter. Criteria: LabCorp Variant Classification Summary - May 2015. Collection method: clinical testing. Allele origin: germline.

PreventionGenetics, part of Exact Sciences
Classification: Likely benign for LZTR1-related condition. Last evaluated: 2019-03-21. Review status: no assertion criteria provided. Collection method: clinical testing. Allele origin: germline. Not counted in ClinVar's aggregate classification.
Comment: This variant is classified as likely benign based on ACMG/AMP sequence variant interpretation guidelines (Richards et al. 2015 PMID: 25741868, with internal and published modifications).

Clinical Genetics DNA and cytogenetics Diagnostics Lab, Erasmus MC, Erasmus Medical Center
Classification: Likely benign. Review status: no assertion criteria provided. Collection method: clinical testing. Allele origin: germline. Affected: yes. Study: VKGL Data-share Consensus. Not counted in ClinVar's aggregate classification.

Joint Genome Diagnostic Labs from Nijmegen and Maastricht, Radboudumc and MUMC+
Classification: Likely benign. Review status: no assertion criteria provided. Collection method: clinical testing. Allele origin: germline. Affected: yes. Study: VKGL Data-share Consensus. Not counted in ClinVar's aggregate classification.